The following is an entry in ClinVar:

NM_000755.5(CRAT):c.19A>G (p.Arg7Gly)

Gene: CRAT (carnitine O-acetyltransferase; minus strand). Cytogenetic location: 9q34.11.
Variant type: single nucleotide variant.
Coding change: c.19A>G on transcript NM_000755.5 (MANE Select); coding-DNA position 19, A replaced by G.
Protein change: p.Arg7Gly; replaces arginine 7 with glycine.
Molecular consequence: missense variant. On other transcripts: 5 prime UTR variant (4).
Genome position (GRCh38, 1-based): chr9:129,110,491, T>C on the plus strand (A>G on the coding strand, the complement: CRAT is on the minus strand). VCF-style: chr9-129110491-T-C. GRCh37 (hg19) VCF-style: chr9-131872770-T-C.
Other names: c.-144A>G (NM_001257363.3, NM_001346548.2); c.-154A>G (NM_001346546.2); c.19A>G, p.Arg7Gly (NM_001346547.2, NM_001346549.2); c.-424A>G (NM_004003.4); short protein forms R7G.
Identifiers: ClinVar variation 1966034 (VCV001966034.5), dbSNP rs947966373, ClinGen allele CA200443343.

ClinVar aggregate classification (germline): Uncertain significance (1 of 4 stars; one submission).

Allele frequency attached by ClinVar (database versions not stated): gnomAD exomes below 0.00001; TOPMed 0.00002.
gnomAD v4.1: 7 of 1,583,526 alleles (0.00044%); highest among the groups gnomAD compares: African/African-American, 0.0014%; no homozygotes.

Submission:

Labcorp Genetics (formerly Invitae), Labcorp
Classification: Uncertain significance. Last evaluated: 2024-12-09. Review status: criteria provided, single submitter. Criteria: Invitae Variant Classification Sherloc (09022015). Collection method: clinical testing. Allele origin: germline.
Comment: This sequence change replaces arginine, which is basic and polar, with glycine, which is neutral and non-polar, at codon 7 of the CRAT protein (p.Arg7Gly). The frequency data for this variant in the population databases is considered unreliable, as metrics indicate poor data quality at this position in the gnomAD database. This variant has not been reported in the literature in individuals affected with CRAT-related conditions. ClinVar contains an entry for this variant (Variation ID: 1966034). An algorithm developed to predict the effect of missense changes on protein structure and function (PolyPhen-2) suggests that this variant is likely to be tolerated. In summary, the available evidence is currently insufficient to determine the role of this variant in disease. Therefore, it has been classified as a Variant of Uncertain Significance.